The following is an entry in ClinVar:

NM_182961.4(SYNE1):c.17326G>T (p.Ala5776Ser)

Gene: SYNE1 (spectrin repeat containing nuclear envelope protein 1; minus strand). Cytogenetic location: 6q25.2.
Variant type: single nucleotide variant.
Coding change: c.17326G>T on transcript NM_182961.4 (MANE Select); coding-DNA position 17326, G replaced by T.
Protein change: p.Ala5776Ser; replaces alanine 5776 with serine.
Molecular consequence: missense variant.
Genome position (GRCh38, 1-based): chr6:152,308,509, C>A on the plus strand (G>T on the coding strand, the complement: SYNE1 is on the minus strand). VCF-style: chr6-152308509-C-A. GRCh37 (hg19) VCF-style: chr6-152629644-C-A.
Other names: c.17113G>T, p.Ala5705Ser (NM_033071.5); short protein forms A5776S, A5705S.
Identifiers: ClinVar variation 1508571 (VCV001508571.35), dbSNP rs774018511, ClinGen allele CA4055273.

ClinVar aggregate classification (germline): Conflicting classifications of pathogenicity. Review status: criteria provided, conflicting classifications (1 of 4 stars). 2 submissions from 2 submitters: Uncertain significance (1); Likely benign (1). Last evaluated 2024-10-21.

Conditions:
Autosomal recessive ataxia, Beauce type. Also called: SYNE1 Deficiency; Spinocerebellar ataxia, autosomal recessive 8; ATAXIA, RECESSIVE, OF BEAUCE; SYNE1-Related Autosomal Recessive Cerebellar Ataxia. Identifiers: Orphanet 88644, MedGen C1853116, MONDO:0012549, OMIM 610743.
Emery-Dreifuss muscular dystrophy 4, autosomal dominant (EDMD4). Also called: EMERY-DREIFUSS MUSCULAR DYSTROPHY 4 WITH VARIABLE FEATURES. Identifiers: Orphanet 261, MedGen C2751807, MONDO:0013071, OMIM 612998.

Allele frequency attached by ClinVar (database versions not stated): ExAC 0.00001; gnomAD 0.00001; gnomAD exomes 0.00001 and 0.00007; TOPMed 0.00001.
gnomAD v4.1: 95 of 1,613,986 alleles (0.0059%); highest among the groups gnomAD compares: Non-Finnish European, 0.0078%; no homozygotes.

Submissions (2):

Labcorp Genetics (formerly Invitae), Labcorp
Classification: Uncertain significance for Emery-Dreifuss muscular dystrophy 4, autosomal dominant; Autosomal recessive ataxia, Beauce type. Last evaluated: 2024-10-21. Review status: criteria provided, single submitter. Criteria: Invitae Variant Classification Sherloc (09022015). Collection method: clinical testing. Allele origin: germline.
Comment: This sequence change replaces alanine, which is neutral and non-polar, with serine, which is neutral and polar, at codon 5705 of the SYNE1 protein (p.Ala5705Ser). This variant is present in population databases (rs774018511, gnomAD 0.003%). This variant has not been reported in the literature in individuals affected with SYNE1-related conditions. ClinVar contains an entry for this variant (Variation ID: 1508571). An algorithm developed to predict the effect of missense changes on protein structure and function (PolyPhen-2) suggests that this variant is likely to be disruptive. In summary, the available evidence is currently insufficient to determine the role of this variant in disease. Therefore, it has been classified as a Variant of Uncertain Significance.

CeGaT Center for Human Genetics Tuebingen
Classification: Likely benign. Last evaluated: 2023-02-01. Review status: criteria provided, single submitter. Criteria: CeGaT Center For Human Genetics Tuebingen Variant Classification Criteria Version 2. Collection method: clinical testing. Allele origin: germline. Affected: yes. Observed: 1 variant allele.
Comment: SYNE1: BP4